The following is an entry in ClinVar:

ClinVar aggregate classification (germline): Uncertain significance (1 of 4 stars; one submission).

Conditions:
Emery-Dreifuss muscular dystrophy 5, autosomal dominant (EDMD5). Also called: EMERY-DREIFUSS MUSCULAR DYSTROPHY 5. Identifiers: Orphanet 261, MedGen C2751805, MONDO:0013072, OMIM 612999.

Allele frequency attached by ClinVar (database versions not stated): ExAC 0.00001; gnomAD exomes 0.00002; gnomAD 0.00003 and 0.00004; TOPMed 0.00003.
gnomAD v4.1: 62 of 1,614,090 alleles (0.0038%); highest among the groups gnomAD compares: Middle Eastern, 0.016%; no homozygotes.

Submission:

Labcorp Genetics (formerly Invitae), Labcorp
Classification: Uncertain significance for Emery-Dreifuss muscular dystrophy 5, autosomal dominant. Last evaluated: 2025-04-14. Review status: criteria provided, single submitter. Criteria: Invitae Variant Classification Sherloc (09022015). Collection method: clinical testing. Allele origin: germline.
Comment: This sequence change replaces lysine, which is basic and polar, with asparagine, which is neutral and polar, at codon 5557 of the SYNE2 protein (p.Lys5557Asn). This variant is present in population databases (rs777646941, gnomAD 0.006%). This variant has not been reported in the literature in individuals affected with SYNE2-related conditions. ClinVar contains an entry for this variant (Variation ID: 1476188). An algorithm developed to predict the effect of missense changes on protein structure and function (PolyPhen-2) suggests that this variant is likely to be disruptive. In summary, the available evidence is currently insufficient to determine the role of this variant in disease. Therefore, it has been classified as a Variant of Uncertain Significance.

NM_182914.3(SYNE2):c.16671G>C (p.Lys5557Asn)

Gene: SYNE2 (spectrin repeat containing nuclear envelope protein 2; plus strand). Cytogenetic location: 14q23.2.
Variant type: single nucleotide variant.
Coding change: c.16671G>C on transcript NM_182914.3 (MANE Select); coding-DNA position 16671, G replaced by C.
Protein change: p.Lys5557Asn; replaces lysine 5557 with asparagine.
Molecular consequence: missense variant.
Genome position (GRCh38, 1-based): chr14:64,167,298, G>C. VCF-style: chr14-64167298-G-C. GRCh37 (hg19) VCF-style: chr14-64634016-G-C.
Other names: c.16671G>C, p.Lys5557Asn (NM_015180.6); short protein forms K5557N.
Identifiers: ClinVar variation 1476188 (VCV001476188.6), dbSNP rs777646941, ClinGen allele CA7223453.